The following is an entry in ClinVar:

ClinVar aggregate classification (germline): Uncertain significance. Review status: criteria provided, multiple submitters, no conflicts (2 of 4 stars). 2 submissions from 2 submitters: Uncertain significance (2). Last evaluated 2024-06-22.

Conditions:
Inborn genetic diseases. Identifiers: MedGen C0950123, MeSH D030342.

Allele frequency attached by ClinVar (database versions not stated): gnomAD 0.00001; gnomAD exomes 0.00001; TOPMed 0.00003.
gnomAD v4.1: 12 of 1,613,990 alleles (0.00074%); highest among the groups gnomAD compares: East Asian, 0.0045%; no homozygotes.

Submissions (2):

Ambry Genetics
Classification: Uncertain significance for Inborn genetic diseases. Last evaluated: 2024-06-22. Review status: criteria provided, single submitter. Criteria: Ambry Variant Classification Scheme 2023. Collection method: clinical testing. Allele origin: germline.

Labcorp Genetics (formerly Invitae), Labcorp
Classification: Uncertain significance. Last evaluated: 2022-09-07. Review status: criteria provided, single submitter. Criteria: Invitae Variant Classification Sherloc (09022015). Collection method: clinical testing. Allele origin: germline.
Comment: This sequence change replaces serine, which is neutral and polar, with leucine, which is neutral and non-polar, at codon 43 of the FOXRED1 protein (p.Ser43Leu). This variant is present in population databases (no rsID available, gnomAD 0.004%). This variant has not been reported in the literature in individuals affected with FOXRED1-related conditions. Advanced modeling of protein sequence and biophysical properties (such as structural, functional, and spatial information, amino acid conservation, physicochemical variation, residue mobility, and thermodynamic stability) performed at Invitae indicates that this missense variant is not expected to disrupt FOXRED1 protein function. In summary, the available evidence is currently insufficient to determine the role of this variant in disease. Therefore, it has been classified as a Variant of Uncertain Significance.

NM_017547.4(FOXRED1):c.128C>T (p.Ser43Leu)

Gene: FOXRED1 (FAD dependent oxidoreductase domain containing 1; plus strand). Cytogenetic location: 11q24.2.
Variant type: single nucleotide variant.
Coding change: c.128C>T on transcript NM_017547.4 (MANE Select); coding-DNA position 128, C replaced by T.
Protein change: p.Ser43Leu; replaces serine 43 with leucine.
Molecular consequence: missense variant. On other transcripts: non-coding transcript variant (1).
Genome position (GRCh38, 1-based): chr11:126,271,479, C>T. VCF-style: chr11-126271479-C-T. GRCh37 (hg19) VCF-style: chr11-126141374-C-T.
Other names: c.128C>T (NM_017547.3); short protein forms S43L.
Identifiers: ClinVar variation 1921480 (VCV001921480.3), dbSNP rs988199168, ClinGen allele CA230561159.